The following is an entry in ClinVar:

ClinVar aggregate classification (germline): Uncertain significance (1 of 4 stars; one submission).

Conditions:
Developmental and epileptic encephalopathy, 30 (DEE30). Also called: Epileptic encephalopathy, early infantile, 30. Identifiers: MedGen C4225360, MONDO:0014595, OMIM 616341.

Submission:

Labcorp Genetics (formerly Invitae), Labcorp
Classification: Uncertain significance for Developmental and epileptic encephalopathy, 30. Last evaluated: 2024-05-30. Review status: criteria provided, single submitter. Criteria: Invitae Variant Classification Sherloc (09022015). Collection method: clinical testing. Allele origin: germline.
Comment: This sequence change replaces valine, which is neutral and non-polar, with alanine, which is neutral and non-polar, at codon 53 of the SIK1 protein (p.Val53Ala). This variant is not present in population databases (gnomAD no frequency). This variant has not been reported in the literature in individuals affected with SIK1-related conditions. ClinVar contains an entry for this variant (Variation ID: 2084494). An algorithm developed to predict the effect of missense changes on protein structure and function (PolyPhen-2) suggests that this variant is likely to be disruptive. In summary, the available evidence is currently insufficient to determine the role of this variant in disease. Therefore, it has been classified as a Variant of Uncertain Significance.

NM_173354.5(SIK1):c.158T>C (p.Val53Ala)

Gene: SIK1 (salt inducible kinase 1; minus strand). Cytogenetic location: 21q22.3.
Variant type: single nucleotide variant.
Coding change: c.158T>C on transcript NM_173354.5 (MANE Select); coding-DNA position 158, T replaced by C.
Protein change: p.Val53Ala; replaces valine 53 with alanine.
Molecular consequence: missense variant.
Genome position (GRCh38, 1-based): chr21:43,425,522, A>G on the plus strand (T>C on the coding strand, the complement: SIK1 is on the minus strand). VCF-style: chr21-43425522-A-G. GRCh37 (hg19) VCF-style: chr21-44845402-A-G.
Other names: short protein forms V53A.
Identifiers: ClinVar variation 2084494 (VCV002084494.4), dbSNP rs2516968923, ClinGen allele CA410610875.